The following is an entry in ClinVar:

ClinVar aggregate classification (germline): Uncertain significance (0 of 4 stars; one submission).

Conditions:
PCSK1-related disorder. Also called: PCSK1-related condition.

gnomAD v4.1: 3 of 1,613,526 alleles (0.00019%); highest among the groups gnomAD compares: Non-Finnish European, 0.00025%; no homozygotes.

Submission:

PreventionGenetics, part of Exact Sciences
Classification: Uncertain significance for PCSK1-related condition. Last evaluated: 2024-06-30. Review status: no assertion criteria provided. Collection method: clinical testing. Allele origin: germline.
Comment: The PCSK1 c.904A>C variant is predicted to result in the amino acid substitution p.Ile302Leu. To our knowledge, this variant has not been reported in the literature or in a large population database, indicating this variant is rare. At this time, the clinical significance of this variant is uncertain due to the absence of conclusive functional and genetic evidence.

NM_000439.5(PCSK1):c.904A>C (p.Ile302Leu)

Genes: CAST (calpastatin; plus strand), PCSK1 (proprotein convertase subtilisin/kexin type 1; minus strand), LOC101929710 (uncharacterized LOC101929710; plus strand). Cytogenetic location: 5q15.
Variant type: single nucleotide variant.
Coding change: c.904A>C on transcript NM_000439.5 (MANE Select); coding-DNA position 904, A replaced by C.
Protein change: p.Ile302Leu; replaces isoleucine 302 with leucine.
Molecular consequence: missense variant. On other transcripts: intron variant (11).
Genome position (GRCh38, 1-based): chr5:96,410,965, T>G on the plus strand (A>C on the coding strand, the complement: PCSK1 is on the minus strand). VCF-style: chr5-96410965-T-G. GRCh37 (hg19) VCF-style: chr5-95746669-T-G.
Other names: c.763A>C, p.Ile255Leu (NM_001177875.2); c.-175+31313T>G (NM_001423254.1, NM_001423259.1, NM_001423255.1 and 6 more transcripts); c.-103+31313T>G (NM_001423253.1); c.-40+31313T>G (NM_001423258.1); short protein forms I255L, I302L.
Identifiers: ClinVar variation 3356179 (VCV003356179.1).